The following is an entry in ClinVar:

ClinVar aggregate classification (germline): Uncertain significance (1 of 4 stars; one submission).

Conditions:
Congenital hyperammonemia, type I. Also called: CPS I DEFICIENCY; Carbamoyl phosphate synthetase I deficiency disease; Carbamoyl-phosphate synthase I deficiency; Carbamoyl phosphate synthetase 1 deficiency; Hyperammonemia due to carbamoyl phosphate synthetase 1 deficiency; CPS 1 deficiency. Identifiers: Orphanet 147, MedGen C4082171, MONDO:0009376, OMIM 237300.

Submission:

Myriad Genetics, Inc.
Classification: Uncertain significance for Congenital hyperammonemia, type I. Last evaluated: 2026-03-26. Review status: criteria provided, single submitter. Criteria: Myriad Autosomal Dominant, Autosomal Recessive and X-Linked Classification Criteria (2023). Collection method: clinical testing. Allele origin: unknown.
Comment: NM_001875.4(CPS1):c.2T>G(M1?) is an initiation codon variant classified as a variant of uncertain significance in the context of carbamoylphosphate synthetase I deficiency. M1? has not been observed in cases with relevant disease. Relevant functional assessments of this variant are not available in the literature. M1? has not been observed in referenced population frequency databases. In summary, there is insufficient evidence to classify NM_001875.4(CPS1):c.2T>G(M1?) as pathogenic or benign. Please note: this variant was assessed in the context of healthy population screening.

NM_001875.5(CPS1):c.2T>G (p.Met1Arg)

Gene: CPS1 (carbamoyl-phosphate synthase 1; plus strand). Cytogenetic location: 2q34.
Variant type: single nucleotide variant.
Coding change: c.2T>G on transcript NM_001875.5 (MANE Select); coding-DNA position 2, T replaced by G.
Protein change: p.Met1Arg; changes the start codon (methionine 1).
Molecular consequence: missense variant, initiator codon variant. On other transcripts: non-coding transcript variant (1).
Genome position (GRCh38, 1-based): chr2:210,556,735, T>G. VCF-style: chr2-210556735-T-G. GRCh37 (hg19) VCF-style: chr2-211421459-T-G.
Other names: c.2T>G, p.Met1Arg (NM_001122633.3, NM_001369257.1); c.35T>G, p.Met12Arg (NM_001369256.1); short protein forms M1R, M12R.
Identifiers: ClinVar variation 5003786 (VCV005003786.1).